The following is an entry in ClinVar:

ClinVar aggregate classification (germline): Benign (1 of 4 stars; one submission).

Allele frequency attached by ClinVar (database versions not stated): TOPMed 0.96031; gnomAD 0.96247 and 0.96490; 1000 Genomes Project 30x 0.96424; 1000 Genomes Project 0.96685.
gnomAD v4.1: 147,000 of 152,294 alleles (97%); highest among the groups gnomAD compares: East Asian, 100%; 71,175 homozygotes.

Submission:

GeneDx
Classification: Benign. Last evaluated: 2018-06-14. Review status: criteria provided, single submitter. Criteria: GeneDx Variant Classification (06012015). Collection method: clinical testing. Allele origin: germline. Affected: yes.
Comment: This variant is considered likely benign or benign based on one or more of the following criteria: it is a conservative change, it occurs at a poorly conserved position in the protein, it is predicted to be benign by multiple in silico algorithms, and/or has population frequency not consistent with disease.

NM_020117.11(LARS1):c.2213-307C>G

Gene: LARS1 (leucyl-tRNA synthetase 1; minus strand). Cytogenetic location: 5q32.
Variant type: single nucleotide variant.
Coding change: c.2213-307C>G on transcript NM_020117.11 (MANE Select); 307 bases into the intron before coding-DNA position 2213, C replaced by G.
Molecular consequence: intron variant.
Genome position (GRCh38, 1-based): chr5:146,133,388, G>C on the plus strand (C>G on the coding strand, the complement: LARS1 is on the minus strand). VCF-style: chr5-146133388-G-C. GRCh37 (hg19) VCF-style: chr5-145512951-G-C.
Other names: c.2051-307C>G (NM_001317965.2); c.2132-307C>G (NM_016460.4); c.2075-307C>G (NM_001317964.2).
Identifiers: ClinVar variation 684159 (VCV000684159.1), dbSNP rs2962500, ClinGen allele CA15367885.